The following is an entry in ClinVar:

ClinVar aggregate classification (germline): Uncertain significance. Review status: criteria provided, multiple submitters, no conflicts (2 of 4 stars). 2 submissions from 2 submitters: Uncertain significance (2). Last evaluated 2022-05-28.

Conditions:
Charcot-Marie-Tooth disease. Also called: Charcot-Marie-Tooth Neuropathy; Charcot-Marie-Tooth Hereditary Neuropathy. Identifiers: Orphanet 166, MedGen C0007959, MONDO:0015626.
Charcot-Marie-Tooth disease type 2E (CMT2E). Also called: CHARCOT-MARIE-TOOTH NEUROPATHY, TYPE 2E; CHARCOT-MARIE-TOOTH DISEASE, AXONAL, TYPE 2E. Identifiers: Orphanet 99939, MedGen C1843225, MONDO:0011894, OMIM 607684.

Allele frequency attached by ClinVar (database versions not stated): TOPMed 0.00002.
gnomAD v4.1: 10 of 1,604,174 alleles (0.00062%); highest among the groups gnomAD compares: Non-Finnish European, 0.00085%; no homozygotes.

Submissions (2):

Labcorp Genetics (formerly Invitae), Labcorp
Classification: Uncertain significance for Charcot-Marie-Tooth disease type 2E. Last evaluated: 2022-05-28. Review status: criteria provided, single submitter. Criteria: Invitae Variant Classification Sherloc (09022015). Collection method: clinical testing. Allele origin: germline.
Comment: Experimental studies and prediction algorithms are not available or were not evaluated, and the functional significance of this variant is currently unknown. This sequence change replaces lysine, which is basic and polar, with threonine, which is neutral and polar, at codon 15 of the NEFL protein (p.Lys15Thr). The frequency data for this variant in the population databases is considered unreliable, as metrics indicate poor data quality at this position in the gnomAD database. This missense change has been observed in individual(s) with clinical features of Charcot-Marie-Tooth disease (PMID: 32376792). ClinVar contains an entry for this variant (Variation ID: 840141). In summary, the available evidence is currently insufficient to determine the role of this variant in disease. Therefore, it has been classified as a Variant of Uncertain Significance.

Molecular Genetics Laboratory, London Health Sciences Centre
Classification: Uncertain significance for Charcot-Marie-Tooth disease. Review status: criteria provided, single submitter. Criteria: ACMG Guidelines, 2015. Collection method: clinical testing. Allele origin: germline. Affected: yes.

Literature cited by the submitters: PubMed 32376792 (cited by Labcorp Genetics (formerly Invitae), Labcorp).

NM_006158.5(NEFL):c.44A>C (p.Lys15Thr)

Gene: NEFL (neurofilament light chain; minus strand). Cytogenetic location: 8p21.2.
Variant type: single nucleotide variant.
Coding change: c.44A>C on transcript NM_006158.5 (MANE Select); coding-DNA position 44, A replaced by C.
Protein change: p.Lys15Thr; replaces lysine 15 with threonine.
Molecular consequence: missense variant.
Genome position (GRCh38, 1-based): chr8:24,956,472, T>G on the plus strand (A>C on the coding strand, the complement: NEFL is on the minus strand). VCF-style: chr8-24956472-T-G. GRCh37 (hg19) VCF-style: chr8-24813986-T-G.
Other names: short protein forms K15T.
Identifiers: ClinVar variation 840141 (VCV000840141.7), dbSNP rs776351925, ClinGen allele CA370624213.